The following is an entry in ClinVar:

NM_001015877.2(PHF6):c.965A>C (p.Tyr322Ser)

Gene: PHF6 (PHD finger protein 6; plus strand). Cytogenetic location: Xq26.2.
Variant type: single nucleotide variant.
Coding change: c.965A>C on transcript NM_001015877.2 (MANE Select); coding-DNA position 965, A replaced by C.
Protein change: p.Tyr322Ser; replaces tyrosine 322 with serine.
Molecular consequence: missense variant.
Genome position (GRCh38, 1-based): chrX:134,417,299, A>C. VCF-style: chrX-134417299-A-C. GRCh37 (hg19) VCF-style: chrX-133551329-A-C.
Other names: c.965A>C, p.Tyr322Ser (NM_032458.3); short protein forms Y322S.
Identifiers: ClinVar variation 2302215 (VCV002302215.2), dbSNP rs2520644840, ClinGen allele CA414707959.

ClinVar aggregate classification (germline): Likely pathogenic (1 of 4 stars; one submission).

Conditions:
Inborn genetic diseases. Identifiers: MedGen C0950123, MeSH D030342.

Submission:

Ambry Genetics
Classification: Likely pathogenic for Inborn genetic diseases. Last evaluated: 2022-10-17. Review status: criteria provided, single submitter. Criteria: Ambry Variant Classification Scheme 2023. Collection method: clinical testing. Allele origin: germline.
Comment: The c.965A>C (p.Y322S) alteration is located in exon 9 (coding exon 8) of the PHF6 gene. This alteration results from an A to C substitution at nucleotide position 965, causing the tyrosine (Y) at amino acid position 322 to be replaced by a serine (S)._x000D_ _x000D_ Based on the available evidence, the PHF6 c.965A>C (p.Y322S) alteration is classified as likely pathogenic for X-linked dominant Borjeson-Forssman-Lehmann syndrome. This variant was not reported in population-based cohorts in the Genome Aggregation Database (gnomAD). This amino acid position is highly conserved in available vertebrate species. This alteration is predicted to be deleterious by in silico analysis. Based on the available evidence, this alteration is classified as likely pathogenic.